The following is an entry in ClinVar:

NM_001170700.3(DTHD1):c.1412A>G (p.Asp471Gly)

Gene: DTHD1 (death domain containing 1; plus strand). Cytogenetic location: 4p14.
Variant type: single nucleotide variant.
Coding change: c.1412A>G on transcript NM_001170700.3 (MANE Select); coding-DNA position 1412, A replaced by G.
Protein change: p.Asp471Gly; replaces aspartic acid 471 with glycine.
Molecular consequence: missense variant. On other transcripts: non-coding transcript variant (2).
Genome position (GRCh38, 1-based): chr4:36,294,808, A>G. VCF-style: chr4-36294808-A-G. GRCh37 (hg19) VCF-style: chr4-36296430-A-G.
Other names: c.1037A>G (NM_001170700.1); c.542A>G, p.Asp181Gly (NM_001136536.5); c.479A>G, p.Asp160Gly (NM_001378435.1); short protein forms D160G, D181G, D471G.
Identifiers: ClinVar variation 1020180 (VCV001020180.9), dbSNP rs563179017, ClinGen allele CA2885639.

ClinVar aggregate classification (germline): Uncertain significance. Review status: criteria provided, multiple submitters, no conflicts (2 of 4 stars). 3 submissions from 3 submitters: Uncertain significance (3). Last evaluated 2025-08-09.

Allele frequency attached by ClinVar (database versions not stated): gnomAD 0.00001 and 0.00004; TOPMed 0.00002; gnomAD exomes 0.00031; 1000 Genomes Project 0.00040; 1000 Genomes Project 30x 0.00047; ExAC 0.00076.
gnomAD v4.1: 221 of 1,547,074 alleles (0.014%); highest among the groups gnomAD compares: South Asian, 0.16%; 1 homozygote.

Submissions (3):

Labcorp Genetics (formerly Invitae), Labcorp
Classification: Uncertain significance. Last evaluated: 2025-08-09. Review status: criteria provided, single submitter. Criteria: Invitae Variant Classification Sherloc (09022015). Collection method: clinical testing. Allele origin: germline.
Comment: This sequence change replaces aspartic acid, which is acidic and polar, with glycine, which is neutral and non-polar, at codon 181 of the DTHD1 protein (p.Asp181Gly). This variant is present in population databases (rs563179017, gnomAD 0.2%), and has an allele count higher than expected for a pathogenic variant. This variant has not been reported in the literature in individuals affected with DTHD1-related conditions. ClinVar contains an entry for this variant (Variation ID: 1020180). An algorithm developed to predict the effect of missense changes on protein structure and function (PolyPhen-2) suggests that this variant is likely to be disruptive. In summary, the available evidence is currently insufficient to determine the role of this variant in disease. Therefore, it has been classified as a Variant of Uncertain Significance.

Blueprint Genetics
Classification: Uncertain significance. Last evaluated: 2024-09-21. Review status: criteria provided, single submitter. Criteria: ACMG Guidelines, 2015. Collection method: clinical testing. Allele origin: germline.

Ambry Genetics
Classification: Uncertain significance. Last evaluated: 2024-08-26. Review status: criteria provided, single submitter. Criteria: Ambry Variant Classification Scheme 2023. Collection method: clinical testing. Allele origin: germline.